The following is an entry in ClinVar:

ClinVar aggregate classification (germline): Uncertain significance (1 of 4 stars; one submission).

Submission:

Ambry Genetics
Classification: Uncertain significance. Last evaluated: 2024-07-15. Review status: criteria provided, single submitter. Criteria: Ambry Variant Classification Scheme 2023. Collection method: clinical testing. Allele origin: germline.
Comment: The p.S336R variant (also known as c.1008T>A), located in coding exon 9 of the FAM175A gene, results from a T to A substitution at nucleotide position 1008. The serine at codon 336 is replaced by arginine, an amino acid with dissimilar properties. This amino acid position is conserved. In addition, this alteration is predicted to be tolerated by in silico analysis. Based on the available evidence, the clinical significance of this variant remains unclear.

NM_139076.3(ABRAXAS1):c.1008T>A (p.Ser336Arg)

Gene: ABRAXAS1 (abraxas 1, BRCA1 A complex subunit; minus strand). Cytogenetic location: 4q21.23.
Variant type: single nucleotide variant.
Coding change: c.1008T>A on transcript NM_139076.3 (MANE Select); coding-DNA position 1008, T replaced by A.
Protein change: p.Ser336Arg; replaces serine 336 with arginine.
Molecular consequence: missense variant.
Genome position (GRCh38, 1-based): chr4:83,462,691, A>T on the plus strand (T>A on the coding strand, the complement: ABRAXAS1 is on the minus strand). VCF-style: chr4-83462691-A-T. GRCh37 (hg19) VCF-style: chr4-84383844-A-T.
Other names: c.681T>A, p.Ser227Arg (NM_001345962.2); short protein forms S336R, S227R.
Identifiers: ClinVar variation 3444198 (VCV003444198.1).